The following is an entry in ClinVar:

ClinVar aggregate classification (germline): Conflicting classifications of pathogenicity. Review status: criteria provided, conflicting classifications (1 of 4 stars). 8 submissions from 8 submitters: Pathogenic (1); Likely pathogenic (4); Uncertain significance (3). Last evaluated 2026-04-12.

Conditions:
ACADVL-related disorder. Also called: ACADVL-related condition.
Very long chain acyl-CoA dehydrogenase deficiency (ACADVLD). Also called: Very Long-Chain Acyl-Coenzyme A Dehydrogenase Deficiency; VLCAD Deficiency. Identifiers: Orphanet 26793, MedGen C3887523, MONDO:0008723, OMIM 201475.

Allele frequency attached by ClinVar (database versions not stated): ExAC 0.00001; gnomAD 0.00001; gnomAD exomes 0.00001; 1000 Genomes Project 30x 0.00016; 1000 Genomes Project 0.00020.
gnomAD v4.1: 12 of 1,614,108 alleles (0.00074%); highest among the groups gnomAD compares: Admixed American, 0.0033%; no homozygotes.

Submissions (8):

Dasa
Classification: Uncertain significance. Last evaluated: 2026-04-12. Review status: criteria provided, single submitter. Criteria: DASA Assertion Criteria. Collection method: clinical testing. Allele origin: germline.
Comment: NM_000018.4(ACADVL):c.853G>C (p.Glu285Gln) is a missense variant that results in the substitution of glutamic acid with glutamine. The affected residue or protein region has prior evidence supporting clinical relevance. This variant has been reported in individuals with ACADVL-related disorders (PMID: 27538624). Also, this variant is rare in population databases. Computational prediction algorithms are consistent with a deleterious effect. The currently available literature and clinical evidence are not sufficient to establish a definitive association between this variant and the reported condition. Therefore, this variant is classified as a variant of uncertain significance.

Myriad Genetics, Inc.
Classification: Uncertain significance for Very long chain acyl-CoA dehydrogenase deficiency. Last evaluated: 2026-02-10. Review status: criteria provided, single submitter. Criteria: Myriad Autosomal Dominant, Autosomal Recessive and X-Linked Classification Criteria (2023). Collection method: clinical testing. Allele origin: unknown.
Comment: NM_000018.3(ACADVL):c.853G>C(E285Q) is a missense variant classified as a variant of uncertain significance in the context of very-long-chain acyl-CoA dehydrogenase deficiency. E285Q has been observed in a case with relevant disease (PMID: 41022664). Relevant functional assessments of this variant are not available in the literature. E285Q has been observed in referenced population frequency databases. In summary, there is insufficient evidence to classify NM_000018.3(ACADVL):c.853G>C(E285Q) as pathogenic or benign. Please note: this variant was assessed in the context of healthy population screening.

Labcorp Genetics (formerly Invitae), Labcorp
Classification: Pathogenic for Very long chain acyl-CoA dehydrogenase deficiency. Last evaluated: 2026-01-27. Review status: criteria provided, single submitter. Criteria: Invitae Variant Classification Sherloc (09022015). Collection method: clinical testing. Allele origin: germline.
Comment: This sequence change replaces glutamic acid, which is acidic and polar, with glutamine, which is neutral and polar, at codon 285 of the ACADVL protein (p.Glu285Gln). This variant is present in population databases (rs202216257, gnomAD 0.003%). This missense change has been observed in individual(s) with very long chain acyl-CoA dehydrogenase deficiency (internal data). In at least one individual the data is consistent with being in trans (on the opposite chromosome) from a pathogenic variant. ClinVar contains an entry for this variant (Variation ID: 1453582). Invitae Evidence Modeling of protein sequence and biophysical properties (such as structural, functional, and spatial information, amino acid conservation, physicochemical variation, residue mobility, and thermodynamic stability) indicates that this missense variant is expected to disrupt ACADVL protein function with a positive predictive value of 80%. This variant disrupts the p.Glu285 amino acid residue in ACADVL. Other variant(s) that disrupt this residue have been observed in individuals with ACADVL-related conditions (PMID: 27538624), which suggests that this may be a clinically significant amino acid residue. For these reasons, this variant has been classified as Pathogenic.

Women's Health and Genetics/Laboratory Corporation of America, LabCorp
Classification: Likely pathogenic for Very long chain acyl-CoA dehydrogenase deficiency. Last evaluated: 2025-08-29. Review status: criteria provided, single submitter. Criteria: LabCorp Variant Classification Summary - May 2015. Collection method: clinical testing. Allele origin: germline.
Comment: Variant summary: ACADVL c.853G>C (p.Glu285Gln) results in a conservative amino acid change located in the Acyl-CoA oxidase/dehydrogenase, middle domain (IPR006091) of the encoded protein sequence. Algorithms developed to predict the effect of missense changes on protein structure and function are either unavailable or do not agree on the potential impact of this missense change. The variant allele was found at a frequency of 1.2e-05 in 251386 control chromosomes. c.853G>C has been observed in individual(s) affected with Very Long Chain Acyl-CoA Dehydrogenase Deficiency (internal data). These data indicate that the variant may be associated with disease. To our knowledge, no experimental evidence demonstrating an impact on protein function has been reported. ClinVar contains an entry for this variant (Variation ID: 1453582). Based on the evidence outlined above, the variant was classified as likely pathogenic.

Department of Genetics of Metabolic Diseases, Institute of Medical & Molecular Genetics, Hospital Universitario Hospital La Paz
Classification: Likely pathogenic for Very long chain acyl-CoA dehydrogenase deficiency. Last evaluated: 2024-09-01. Review status: criteria provided, single submitter. Criteria: ACMG Guidelines, 2015. Collection method: clinical testing. Allele origin: germline. Inheritance: Autosomal recessive inheritance. Affected: yes.
Comment: The variant NM_000018.3:c.853G>C p.(Glu285Gln) in ACADVL is present at low frequency in gnomAD (0.001193%) and computational prediction tools support a deleterious effect on the gene. This variant has been observed in a newborn with NBS C14:1 levels >1,0 μmol/L and Follow-up plasma acylcarnitine analysis consistent with VLCADD, carrying this variant along with a second variant of unknown significance without confirmation of phasing (PMID: Hidalgo Mayoral I et al., in press). A different missense variant affecting the same position (p.Glu285Gly) has been reported in the literature in an individual with VLCAD deficiency identified in adulthood (PMID: 27538624).

Revvity Omics, Revvity
Classification: Uncertain significance for Very long chain acyl-CoA dehydrogenase deficiency. Last evaluated: 2024-02-26. Review status: criteria provided, single submitter. Criteria: ACMG Guidelines, 2015. Collection method: clinical testing. Allele origin: germline.

Blueprint Genetics
Classification: Likely pathogenic for ACADVL-related disorders. Last evaluated: 2023-06-15. Review status: criteria provided, single submitter. Criteria: ACMG Guidelines, 2015. Collection method: clinical testing. Allele origin: germline. Affected: yes. Observed: 1 variant allele.

Mendelics
Classification: Likely pathogenic for Very long chain acyl-CoA dehydrogenase deficiency. Last evaluated: 2022-05-04. Review status: criteria provided, single submitter. Criteria: Mendelics Assertion Criteria 2019. Collection method: clinical testing. Allele origin: germline.

Literature cited by the submitters: PubMed 27538624 (cited by Dasa and Labcorp Genetics (formerly Invitae), Labcorp); PubMed 41022664 (cited by Myriad Genetics, Inc. and Department of Genetics of Metabolic Diseases, Institute of Medical & Molecular Genetics, Hospital Universitario Hospital La Paz).

NM_000018.4(ACADVL):c.853G>C (p.Glu285Gln)

Gene: ACADVL (acyl-CoA dehydrogenase very long chain; plus strand). Cytogenetic location: 17p13.1.
Variant type: single nucleotide variant.
Coding change: c.853G>C on transcript NM_000018.4 (MANE Select); coding-DNA position 853, G replaced by C.
Protein change: p.Glu285Gln; replaces glutamic acid 285 with glutamine.
Molecular consequence: missense variant.
Genome position (GRCh38, 1-based): chr17:7,222,277, G>C. VCF-style: chr17-7222277-G-C. GRCh37 (hg19) VCF-style: chr17-7125596-G-C.
Other names: c.853G>C (NM_000018.3); c.787G>C, p.Glu263Gln (NM_001033859.3); c.922G>C, p.Glu308Gln (NM_001270447.2); c.625G>C, p.Glu209Gln (NM_001270448.2); short protein forms E209Q, E263Q, E285Q, E308Q.
Identifiers: ClinVar variation 1453582 (VCV001453582.16), dbSNP rs202216257, ClinGen allele CA8337867.
Genomic context (GRCh38, chr17:7,222,277, plus strand): 5'-ACACCAGTTACAGATCCAGCCACAGGAGCCGTGAAGGAGAAGATCACAGCTTTTGTGGTG[G>C]AGAGGGGCTTCGGGGGCATTACCCAGTGAGTGAATTTGGGTTGGGGGAGCTTAGGACTGA-3'
Protein context (NP_000009.1, residues 275-295): VKEKITAFVV[Glu285Gln]RGFGGITHGP